The following is an entry in ClinVar:

ClinVar aggregate classification (germline): Benign. Review status: criteria provided, multiple submitters, no conflicts (2 of 4 stars). 9 submissions from 3 submitters: Benign (9). Last evaluated 2021-05-11.

Conditions:
Stiff skin syndrome (SSKS). Identifiers: Orphanet 2833, MedGen C1861456, MONDO:0008492, OMIM 184900.
Marfan syndrome (MFS). Also called: Marfan syndrome type 1; Marfan's syndrome; MARFAN SYNDROME, TYPE I; Marfan syndrome, classic; FBN1-Related Marfan Syndrome. Identifiers: Orphanet 284963, Orphanet 558, MedGen C0024796, MONDO:0007947, OMIM 154700.
Geleophysic dysplasia. Identifiers: Orphanet 2623, MedGen C3489726, MONDO:0000127.
Weill-Marchesani syndrome. Also called: WM Syndrome; Mesodermal dysmorphodystrophy congenital. Identifiers: Orphanet 3449, MedGen C0265313, MONDO:0018096.
Acromicric dysplasia (ACMICD). Also called: Acromicric skeletal dysplasia. Identifiers: Orphanet 969, MedGen C0265287, MONDO:0007055, OMIM 102370.
Ectopia lentis 1, isolated, autosomal dominant (ECTOL1). Identifiers: Orphanet 1885, MedGen C3541518, MONDO:0007514, OMIM 129600.
Familial thoracic aortic aneurysm and aortic dissection (TAAD). Also called: Thoracic aortic aneurysms and dissections. Identifiers: Orphanet 91387, MedGen C4707243, MONDO:0019625.

Allele frequency attached by ClinVar (database versions not stated): 1000 Genomes Project 0.91933; gnomAD exomes 0.79425; gnomAD 0.89602 and 0.89783; TOPMed 0.90600; 1000 Genomes Project 30x 0.91693.
gnomAD v4.1: 136,912 of 152,624 alleles (90%); highest among the groups gnomAD compares: African/African-American, 94%; 61,504 homozygotes.

Submissions (9):

GeneDx
Classification: Benign. Last evaluated: 2021-05-11. Review status: criteria provided, single submitter. Criteria: GeneDx Variant Classification Process June 2021. Collection method: clinical testing. Allele origin: germline. Affected: yes.

Illumina Laboratory Services, Illumina
Classification: Benign for Ectopia lentis 1, isolated, autosomal dominant. Last evaluated: 2018-01-13. Review status: criteria provided, single submitter. Criteria: ICSL Variant Classification Criteria 13 December 2019. Collection method: clinical testing. Allele origin: germline.
Comment: This variant was observed in the ICSL laboratory as part of a predisposition screen in an ostensibly healthy population. It had not been previously curated by ICSL or reported in the Human Gene Mutation Database (HGMD: prior to June 1st, 2018), and was therefore a candidate for classification through an automated scoring system. Utilizing variant allele frequency, disease prevalence and penetrance estimates, and inheritance mode, an automated score was calculated to assess if this variant is too frequent to cause the disease. Based on the score and internal cut-off values, a variant classified as benign is not then subjected to further curation. The score for this variant resulted in a classification of benign for this disease.

Illumina Laboratory Services, Illumina
Classification: Benign for Familial thoracic aortic aneurysm and aortic dissection. Last evaluated: 2018-01-13. Review status: criteria provided, single submitter. Criteria: ICSL Variant Classification Criteria 13 December 2019. Collection method: clinical testing. Allele origin: germline.
Comment: the same text as in the submission from Illumina Laboratory Services, Illumina above.

Illumina Laboratory Services, Illumina
Classification: Benign for Marfan syndrome. Last evaluated: 2018-01-13. Review status: criteria provided, single submitter. Criteria: ICSL Variant Classification Criteria 13 December 2019. Collection method: clinical testing. Allele origin: germline.
Comment: the same text as in the submission from Illumina Laboratory Services, Illumina above.

Illumina Laboratory Services, Illumina
Classification: Benign for Geleophysic dysplasia. Last evaluated: 2018-01-13. Review status: criteria provided, single submitter. Criteria: ICSL Variant Classification Criteria 13 December 2019. Collection method: clinical testing. Allele origin: germline.
Comment: the same text as in the submission from Illumina Laboratory Services, Illumina above.

Illumina Laboratory Services, Illumina
Classification: Benign for Stiff skin syndrome. Last evaluated: 2018-01-13. Review status: criteria provided, single submitter. Criteria: ICSL Variant Classification Criteria 13 December 2019. Collection method: clinical testing. Allele origin: germline.
Comment: the same text as in the submission from Illumina Laboratory Services, Illumina above.

Illumina Laboratory Services, Illumina
Classification: Benign for Acromicric dysplasia. Last evaluated: 2018-01-13. Review status: criteria provided, single submitter. Criteria: ICSL Variant Classification Criteria 13 December 2019. Collection method: clinical testing. Allele origin: germline.
Comment: the same text as in the submission from Illumina Laboratory Services, Illumina above.

Illumina Laboratory Services, Illumina
Classification: Benign for Weill-Marchesani syndrome. Last evaluated: 2018-01-13. Review status: criteria provided, single submitter. Criteria: ICSL Variant Classification Criteria 13 December 2019. Collection method: clinical testing. Allele origin: germline.
Comment: the same text as in the submission from Illumina Laboratory Services, Illumina above.

Breakthrough Genomics
Classification: Benign. Review status: criteria provided, single submitter. Criteria: ACMG Guidelines, 2015. Collection method: not provided. Allele origin: germline. Inheritance: Autosomal dominant inheritance. Affected: yes.

NM_000138.5(FBN1):c.*730G>T

Gene: FBN1 (fibrillin 1; minus strand). Cytogenetic location: 15q21.1.
Variant type: single nucleotide variant.
Coding change: c.*730G>T on transcript NM_000138.5 (MANE Select); 730 bases downstream of the stop codon, G replaced by T.
Molecular consequence: 3 prime UTR variant.
Genome position (GRCh38, 1-based): chr15:48,410,260, C>A on the plus strand (G>T on the coding strand, the complement: FBN1 is on the minus strand). VCF-style: chr15-48410260-C-A. GRCh37 (hg19) VCF-style: chr15-48702457-C-A.
Identifiers: ClinVar variation 316351 (VCV000316351.7), dbSNP rs13598, ClinGen allele CA10636144.